The following is an entry in ClinVar:

ClinVar aggregate classification (germline): Uncertain significance. Review status: criteria provided, single submitter (1 of 4 stars). 3 submissions from 3 submitters: Uncertain significance (1). 2 of the submissions do not count toward it. Last evaluated 2024-03-12.

Conditions:
Citrullinemia. Identifiers: Orphanet 187, MedGen C0175683, MONDO:0015991.
Citrullinemia type I (CTNL1). Also called: ASS DEFICIENCY; argininosuccinate synthetase deficiency. Identifiers: Orphanet 247525, MedGen C4721769, MONDO:0008988, OMIM 215700.

Allele frequency attached by ClinVar (database versions not stated): gnomAD 0.00001; gnomAD exomes 0.00002 and 0.00003; ExAC 0.00003; 1000 Genomes Project 30x 0.00016; 1000 Genomes Project 0.00020.

Submissions (3):

Labcorp Genetics (formerly Invitae), Labcorp
Classification: Uncertain significance for Citrullinemia. Last evaluated: 2024-03-12. Review status: criteria provided, single submitter. Criteria: Invitae Variant Classification Sherloc (09022015). Collection method: clinical testing. Allele origin: germline.
Comment: This sequence change replaces valine, which is neutral and non-polar, with isoleucine, which is neutral and non-polar, at codon 64 of the ASS1 protein (p.Val64Ile). This variant is present in population databases (rs556297791, gnomAD 0.03%). This missense change has been observed in individual(s) with citrullinemia type 1 (PMID: 28111830). ClinVar contains an entry for this variant (Variation ID: 554322). Advanced modeling of protein sequence and biophysical properties (such as structural, functional, and spatial information, amino acid conservation, physicochemical variation, residue mobility, and thermodynamic stability) performed at Invitae indicates that this missense variant is not expected to disrupt ASS1 protein function with a negative predictive value of 80%. In summary, the available evidence is currently insufficient to determine the role of this variant in disease. Therefore, it has been classified as a Variant of Uncertain Significance.

Natera, Inc.
Classification: Uncertain significance for Citrullinemia type I. Last evaluated: 2020-05-31. Review status: no assertion criteria provided. Collection method: clinical testing. Allele origin: germline. Not counted in ClinVar's aggregate classification.

Counsyl
Classification: Uncertain significance for Citrullinemia type I. Last evaluated: 2017-10-16. Review status: no assertion criteria provided. Collection method: clinical testing. Allele origin: unknown. Not counted in ClinVar's aggregate classification.

Literature cited by the submitters: PubMed 28111830 (cited by Labcorp Genetics (formerly Invitae), Labcorp and Counsyl).

NM_054012.4(ASS1):c.190G>A (p.Val64Ile)

Gene: ASS1 (argininosuccinate synthase 1; plus strand). Cytogenetic location: 9q34.11.
Variant type: single nucleotide variant.
Coding change: c.190G>A on transcript NM_054012.4 (MANE Select); coding-DNA position 190, G replaced by A.
Protein change: p.Val64Ile; replaces valine 64 with isoleucine.
Molecular consequence: missense variant.
Genome position (GRCh38, 1-based): chr9:130,458,416, G>A. VCF-style: chr9-130458416-G-A. GRCh37 (hg19) VCF-style: chr9-133333803-G-A.
Other names: c.190G>A, p.Val64Ile (NM_000050.4); short protein forms V64I.
Identifiers: ClinVar variation 554322 (VCV000554322.9), dbSNP rs556297791, ClinGen allele CA5283195.
Genomic context (GRCh38, chr9:130,458,416, plus strand): 5'-CCCTGTCCTTGCCTACTTCTTCCTTCTGGGCTCCTCTTCCCGTAGGTGTTCATTGAGGAT[G>A]TCAGCAGGGAGTTTGTGGAGGAGTTCATCTGGCCGGCCATCCAGTCCAGCGCACTGTATG-3'
Protein context (NP_446464.1, residues 54-74): LGAKKVFIED[Val64Ile]SREFVEEFIW